The following is an entry in ClinVar:

ClinVar aggregate classification (germline): Uncertain significance (1 of 4 stars; one submission).

Conditions:
Developmental and epileptic encephalopathy, 34 (DEE34). Also called: SLC12A5-Related Epilepsy of Infancy with Migrating Focal Seizures; Early infantile epileptic encephalopathy 34. Identifiers: Orphanet 293181, MedGen C4225257, MONDO:0014718, OMIM 616645.

Allele frequency attached by ClinVar (database versions not stated): gnomAD 0.00001; TOPMed below 0.00001.
gnomAD v4.1: 1 of 1,614,036 alleles (0.000062%); highest among the groups gnomAD compares: African/African-American, 0.0013%; no homozygotes.

Submission:

Labcorp Genetics (formerly Invitae), Labcorp
Classification: Uncertain significance for Developmental and epileptic encephalopathy, 34. Last evaluated: 2021-09-10. Review status: criteria provided, single submitter. Criteria: Invitae Variant Classification Sherloc (09022015). Collection method: clinical testing. Allele origin: germline.
Comment: This sequence change replaces phenylalanine with leucine at codon 112 of the SLC12A5 protein (p.Phe112Leu). The phenylalanine residue is moderately conserved and there is a small physicochemical difference between phenylalanine and leucine. This variant is not present in population databases (ExAC no frequency). This variant has not been reported in the literature in individuals affected with SLC12A5-related conditions. Advanced modeling of protein sequence and biophysical properties (such as structural, functional, and spatial information, amino acid conservation, physicochemical variation, residue mobility, and thermodynamic stability) performed at Invitae indicates that this missense variant is not expected to disrupt SLC12A5 protein function. In summary, the available evidence is currently insufficient to determine the role of this variant in disease. Therefore, it has been classified as a Variant of Uncertain Significance.

NM_020708.5(SLC12A5):c.336T>G (p.Phe112Leu)

Gene: SLC12A5 (solute carrier family 12 member 5; plus strand). Cytogenetic location: 20q13.12.
Variant type: single nucleotide variant.
Coding change: c.336T>G on transcript NM_020708.5 (MANE Select); coding-DNA position 336, T replaced by G.
Protein change: p.Phe112Leu; replaces phenylalanine 112 with leucine.
Molecular consequence: missense variant.
Genome position (GRCh38, 1-based): chr20:46,035,833, T>G. VCF-style: chr20-46035833-T-G. GRCh37 (hg19) VCF-style: chr20-44664472-T-G.
Other names: c.405T>G, p.Phe135Leu (NM_001134771.2); short protein forms F135L, F112L.
Identifiers: ClinVar variation 1038163 (VCV001038163.4), dbSNP rs2084493854, ClinGen allele CA409187596.